The following is an entry in ClinVar:

ClinVar aggregate classification (germline): Uncertain significance (1 of 4 stars; one submission).

Submission:

Labcorp Genetics (formerly Invitae), Labcorp
Classification: Uncertain significance. Last evaluated: 2022-06-22. Review status: criteria provided, single submitter. Criteria: Invitae Variant Classification Sherloc (09022015). Collection method: clinical testing. Allele origin: germline.
Comment: In summary, the available evidence is currently insufficient to determine the role of this variant in disease. Therefore, it has been classified as a Variant of Uncertain Significance. Algorithms developed to predict the effect of missense changes on protein structure and function (SIFT, PolyPhen-2, Align-GVGD) all suggest that this variant is likely to be tolerated. This variant has not been reported in the literature in individuals affected with HSPG2-related conditions. This variant is not present in population databases (gnomAD no frequency). This sequence change replaces leucine, which is neutral and non-polar, with valine, which is neutral and non-polar, at codon 2907 of the HSPG2 protein (p.Leu2907Val).

NM_005529.7(HSPG2):c.8719C>G (p.Leu2907Val)

Gene: HSPG2 (heparan sulfate proteoglycan 2; minus strand). Cytogenetic location: 1p36.12.
Variant type: single nucleotide variant.
Coding change: c.8719C>G on transcript NM_005529.7 (MANE Select); coding-DNA position 8719, C replaced by G.
Protein change: p.Leu2907Val; replaces leucine 2907 with valine.
Molecular consequence: missense variant.
Genome position (GRCh38, 1-based): chr1:21,843,336, G>C on the plus strand (C>G on the coding strand, the complement: HSPG2 is on the minus strand). VCF-style: chr1-21843336-G-C. GRCh37 (hg19) VCF-style: chr1-22169829-G-C.
Other names: c.8722C>G, p.Leu2908Val (NM_001291860.2); short protein forms L2907V, L2908V.
Identifiers: ClinVar variation 2008981 (VCV002008981.4), dbSNP rs2550666621, ClinGen allele CA338916930.
Genomic context (GRCh38, chr1:21,843,336, plus strand): 5'-CCACTGCTCCCTATCACTCACCAGGAATGGGTCCTGGGCTGGAGGGCTCAATTGTGACCA[G>C]GACAGATGCCTCCAGGGTGCCTGAGCTTCCGGTCACTTGGCACGAGTACTCGCCAGAGTC-3'
Protein context (NP_005520.4, residues 2897-2917): GSSGTLEASV[Leu2907Val]VTIEPSSPGP